The following is an entry in ClinVar:

NM_000540.3(RYR1):c.7523G>C (p.Arg2508Pro)

Gene: RYR1 (ryanodine receptor 1; plus strand). Cytogenetic location: 19q13.2.
Variant type: single nucleotide variant.
Coding change: c.7523G>C on transcript NM_000540.3 (MANE Select); coding-DNA position 7523, G replaced by C.
Protein change: p.Arg2508Pro; replaces arginine 2508 with proline.
Molecular consequence: missense variant.
Genome position (GRCh38, 1-based): chr19:38,500,899, G>C. VCF-style: chr19-38500899-G-C. GRCh37 (hg19) VCF-style: chr19-38991539-G-C.
Other names: c.7523G>C, p.Arg2508Pro (NM_001042723.2); short protein forms R2508P.
Identifiers: ClinVar variation 3692780 (VCV003692780.2).

ClinVar aggregate classification (germline): Likely pathogenic (1 of 4 stars; one submission).

Conditions:
RYR1-related disorder. Also called: RYR1-related condition; RYR1-related disorders. Identifiers: MedGen CN239331.

Submission:

Labcorp Genetics (formerly Invitae), Labcorp
Classification: Likely pathogenic for RYR1-related disorder. Last evaluated: 2024-02-16. Review status: criteria provided, single submitter. Criteria: Invitae Variant Classification Sherloc (09022015). Collection method: clinical testing. Allele origin: germline.
Comment: This sequence change replaces arginine, which is basic and polar, with proline, which is neutral and non-polar, at codon 2508 of the RYR1 protein (p.Arg2508Pro). This variant is not present in population databases (gnomAD no frequency). This variant has not been reported in the literature in individuals affected with RYR1-related conditions. Advanced modeling of protein sequence and biophysical properties (such as structural, functional, and spatial information, amino acid conservation, physicochemical variation, residue mobility, and thermodynamic stability) performed at Invitae indicates that this missense variant is expected to disrupt RYR1 protein function with a positive predictive value of 95%. This variant disrupts the p.Arg2508 amino acid residue in RYR1. Other variant(s) that disrupt this residue have been determined to be pathogenic (PMID: 16621918, 16732084, 19685112, 21157159, 25747005). This suggests that this residue is clinically significant, and that variants that disrupt this residue are likely to be disease-causing. In summary, the currently available evidence indicates that the variant is pathogenic, but additional data are needed to prove that conclusively. Therefore, this variant has been classified as Likely Pathogenic.

Literature cited by the submitters: PubMed 16621918; PubMed 16732084; PubMed 19685112; PubMed 21157159; PubMed 25747005.